The following is an entry in ClinVar:

ClinVar aggregate classification (germline): Conflicting classifications of pathogenicity. Review status: criteria provided, conflicting classifications (1 of 4 stars). 2 submissions from 2 submitters: Uncertain significance (1); Likely benign (1). Last evaluated 2025-03-19.

Conditions:
Hereditary cancer-predisposing syndrome. Also called: Hereditary Cancer Syndrome; Hereditary neoplastic syndrome; Neoplastic Syndromes, Hereditary; Tumor predisposition. Identifiers: Orphanet 140162, MedGen C0027672, MeSH D009386, MONDO:0015356.
Familial cancer of breast. Also called: BREAST CANCER, FAMILIAL; Hereditary breast cancer; hereditary breast carcinoma. Identifiers: Orphanet 227535, MedGen C0346153, MONDO:0016419, OMIM 114480. Disease mechanism: loss of function.

Submissions (2):

Labcorp Genetics (formerly Invitae), Labcorp
Classification: Likely benign for Familial cancer of breast. Last evaluated: 2025-03-19. Review status: criteria provided, single submitter. Criteria: Invitae Variant Classification Sherloc (09022015). Collection method: clinical testing. Allele origin: germline.

Sema4
Classification: Uncertain significance for Hereditary cancer-predisposing syndrome. Last evaluated: 2021-09-11. Review status: criteria provided, single submitter. Criteria: Sema4 Curation Guidelines. Collection method: curation. Allele origin: germline.
Comment: The PALB2 c.2514+7T>G variant has not been reported in the literature to our knowledge. It was not observed in the large and broad cohorts of the Genome Aggregation Database. The variant has not been reported in ClinVar. In silico tools suggest that the variant does not impact splicing, though these predictions have not been confirmed by functional studies. The evidence is insufficient to meet ACMG/AMP criteria for classifying the variant as benign or pathogenic. Thus, the clinical significance of this variant is currently uncertain.

NM_024675.4(PALB2):c.2514+7T>G

Gene: PALB2 (partner and localizer of BRCA2; minus strand). Cytogenetic location: 16p12.2.
Variant type: single nucleotide variant.
Coding change: c.2514+7T>G on transcript NM_024675.4 (MANE Select); 7 bases into the intron after coding-DNA position 2514, T replaced by G.
Molecular consequence: intron variant.
Genome position (GRCh38, 1-based): chr16:23,629,633, A>C on the plus strand (T>G on the coding strand, the complement: PALB2 is on the minus strand). VCF-style: chr16-23629633-A-C. GRCh37 (hg19) VCF-style: chr16-23640954-A-C.
Identifiers: ClinVar variation 1691946 (VCV001691946.2), dbSNP rs2142371207, ClinGen allele CA2573152206.